The following is an entry in ClinVar:

ClinVar aggregate classification (germline): Pathogenic. Review status: criteria provided, multiple submitters, no conflicts (2 of 4 stars). 7 submissions from 7 submitters: Pathogenic (7). Last evaluated 2026-01-24.

Conditions:
Hereditary cancer-predisposing syndrome. Also called: Tumor predisposition; Neoplastic Syndromes, Hereditary; Hereditary Cancer Syndrome; Hereditary neoplastic syndrome. Identifiers: Orphanet 140162, MedGen C0027672, MeSH D009386, MONDO:0015356.
Multiple endocrine neoplasia, type 1 (MEN1). Also called: MEN I; WERMER SYNDROME; Endocrine adenomatosis multiple; MEN 1; MEA I. Identifiers: Orphanet 652, MedGen C0025267, MeSH D018761, MONDO:0007540, OMIM 131100.

Submissions (7):

Labcorp Genetics (formerly Invitae), Labcorp
Classification: Pathogenic for Multiple endocrine neoplasia, type 1. Last evaluated: 2026-01-24. Review status: criteria provided, single submitter. Criteria: Invitae Variant Classification Sherloc (09022015). Collection method: clinical testing. Allele origin: germline.
Comment: This sequence change creates a premature translational stop signal (p.Asp70Profs*51) in the MEN1 gene. It is expected to result in an absent or disrupted protein product. Loss-of-function variants in MEN1 are known to be pathogenic (PMID: 12112656, 17853334). This variant is not present in population databases (gnomAD no frequency). This premature translational stop signal has been observed in individual(s) with multiple endocrine neoplasia type 1 (PMID: 9683585, 22026581, 24959251, 25309785). Invitae Evidence Modeling of clinical and family history, age, sex, and reported ancestry of multiple individuals with this MEN1 variant has been performed. This variant is expected to be pathogenic with a positive predictive value of at least 99%. This is a validated machine learning model that incorporates the clinical features of 1,366,787 individuals referred to our laboratory for MEN1 testing. ClinVar contains an entry for this variant (Variation ID: 403814). For these reasons, this variant has been classified as Pathogenic.

Women's Health and Genetics/Laboratory Corporation of America, LabCorp
Classification: Pathogenic for Multiple endocrine neoplasia, type 1. Last evaluated: 2025-10-10. Review status: criteria provided, single submitter. Criteria: LabCorp Variant Classification Summary - May 2015. Collection method: clinical testing. Allele origin: germline.
Comment: Variant summary: MEN1 c.196_200dupAGCCC (p.Asp70ProfsX51) results in a premature termination codon, predicted to cause a truncation of the encoded protein or absence of the protein due to nonsense mediated decay, which are commonly known mechanisms for disease. The frequency data for this variant in gnomAD is considered unreliable, as metrics indicate poor data quality at this position. c.196_200dupAGCCC has been observed in individual(s) affected with clinical features of Multiple Endocrine Neoplasia Type 1 (example, Jeong_2014). These report(s) do not provide unequivocal conclusions about association of the variant with Multiple Endocrine Neoplasia Type 1. The following publication has been ascertained in the context of this evaluation (PMID: 24959251). ClinVar contains an entry for this variant (Variation ID: 403814). Based on the evidence outlined above, the variant was classified as pathogenic.

Ambry Genetics
Classification: Pathogenic for Hereditary cancer-predisposing syndrome. Last evaluated: 2025-06-26. Review status: criteria provided, single submitter. Criteria: Ambry Variant Classification Scheme 2023. Collection method: clinical testing. Allele origin: germline.
Comment: The c.196_200dupAGCCC pathogenic mutation, located in coding exon 1 of the MEN1 gene, results from a duplication of AGCCC at nucleotide position 196, causing a translational frameshift with a predicted alternate stop codon (p.D70Pfs*51). This mutation has been reported in multiple individuals with clinical features of MEN1 (Giraud S et al. Am. J. Hum. Genet. 1998 Aug;63:455-67; Park JH et al. Clin. Genet. 2003 Jul;64:48-53; Belar O et al. Clin. Endocrinol. (Oxf) 2012 May;76:719-24; Jeong YJ et al. Oncol. Lett. 2014 Jul;8:230-234; Chung YJ et al. Endocrinol. Metab. (Seoul) 2014 Sep;29:270-9). Of note, this alteration is also designated as 310dup5-ter120 and 200-201insAGCCC in published literature. This variant is considered to be rare based on population cohorts in the Genome Aggregation Database (gnomAD). In addition to the clinical data presented in the literature, this alteration is expected to result in loss of function by premature protein truncation or nonsense-mediated mRNA decay. As such, this alteration is interpreted as a disease-causing mutation.

Quest Diagnostics Nichols Institute San Juan Capistrano
Classification: Pathogenic. Last evaluated: 2025-06-12. Review status: criteria provided, single submitter. Criteria: Quest Diagnostics criteria. Collection method: clinical testing. Allele origin: unknown.
Comment: The MEN1 c.196_200dup (p.Asp70Profs*51) variant alters the translational reading frame of the MEN1 mRNA and causes the premature termination of MEN1 protein synthesis. This variant has been reported in the published literature in multiple individuals and families with multiple endocrine neoplasia type 1 (MEN1) syndrome (PMID: 9683585 (1998), 12791038 (2003), 22026581 (2012), 25309785 (2014), 24959251 (2014), Sung et al, Endocrinology and Metabolism (2006);21(6):560-566). This variant has not been reported in large, multi-ethnic general populations (Genome Aggregation Database). Based on the available information, this variant is classified as pathogenic.

Myriad Genetics, Inc.
Classification: Pathogenic for Multiple endocrine neoplasia, type 1. Last evaluated: 2024-01-24. Review status: criteria provided, single submitter. Criteria: Myriad Autosomal Dominant, Autosomal Recessive and X-Linked Classification Criteria (2023). Collection method: clinical testing. Allele origin: unknown.
Comment: This variant is considered pathogenic. This variant creates a frameshift predicted to result in premature protein truncation.

Baylor Genetics
Classification: Pathogenic for Multiple Endocrine Neoplasia Type 1. Last evaluated: 2022-06-25. Review status: criteria provided, single submitter. Criteria: ACMG Guidelines, 2015. Collection method: clinical testing. Allele origin: unknown.

Clinical Genetics and Genomics, Karolinska University Hospital
Classification: Pathogenic. Last evaluated: 2018-12-20. Review status: criteria provided, single submitter. Criteria: ACMG Guidelines, 2015. Collection method: clinical testing. Allele origin: germline. Affected: yes. Observed: 1 variant allele.

Literature cited by the submitters: PubMed 12112656 (cited by Labcorp Genetics (formerly Invitae), Labcorp); PubMed 17853334 (cited by Labcorp Genetics (formerly Invitae), Labcorp); PubMed 9683585 (cited by Labcorp Genetics (formerly Invitae), Labcorp and Ambry Genetics); PubMed 22026581 (cited by Labcorp Genetics (formerly Invitae), Labcorp and Ambry Genetics); PubMed 24959251 (cited by 3 submitters); PubMed 25309785 (cited by Labcorp Genetics (formerly Invitae), Labcorp and Ambry Genetics); PubMed 12791038 (cited by Ambry Genetics).

NM_001370259.2(MEN1):c.196_200dup (p.Asp70fs)

Gene: MEN1 (menin 1; minus strand). Cytogenetic location: 11q13.1.
Variant type: Microsatellite.
Coding change: c.196_200dup on transcript NM_001370259.2 (MANE Select); coding-DNA positions 196 to 200, 5 bases duplicated (AGCCC; older notation c.196_200dupAGCCC).
Protein change: p.Asp70fs; shifts the reading frame from aspartic acid 70.
Molecular consequence: frameshift variant.
Genome position (GRCh38, 1-based): chr11:64,809,910-64,809,914, GGGCT duplicated on the plus strand (AGCCC on the coding strand, the reverse complement: MEN1 is on the minus strand); duplicating any 5 consecutive bases within chr11:64,809,910-64,809,921 gives the same sequence; the c. name uses the placement nearest the transcript's 3' end. VCF-style (leftmost placement, unchanged base first): chr11-64809909-G-GGGGCT. GRCh37 (hg19) VCF-style: chr11-64577381-G-GGGGCT.
Other names: c.196_200dup, p.Asp70fs (NM_000244.4, NM_001370251.2, NM_001370260.2 and 9 more transcripts); c.196_200dupAGCCC (NM_130799.2, NM_130799.3); short protein forms D70fs.
Identifiers: ClinVar variation 403814 (VCV000403814.23), dbSNP rs1555166609, ClinGen allele CA16613636.